The following is an entry in ClinVar:

ClinVar aggregate classification (germline): Pathogenic (1 of 4 stars; one submission).

Conditions:
Granulomatous disease, chronic, autosomal recessive, cytochrome b-negative. Also called: CGD DUE TO DEFICIENCY OF THE ALPHA SUBUNIT OF CYTOCHROME b; CGD, AUTOSOMAL RECESSIVE CYTOCHROME b-NEGATIVE; CYBA DEFICIENCY; GRANULOMATOUS DISEASE, CHRONIC, AUTOSOMAL RECESSIVE, 4; Chronic granulomatous disease, autosomal, due to deficiency of CYBA. Identifiers: Orphanet 379, MedGen C1856255, MONDO:0009308, OMIM 233690.

Allele frequency attached by ClinVar (database versions not stated): TOPMed below 0.00001.

Submission:

Labcorp Genetics (formerly Invitae), Labcorp
Classification: Pathogenic for Granulomatous disease, chronic, autosomal recessive, cytochrome b-negative. Last evaluated: 2023-10-05. Review status: criteria provided, single submitter. Criteria: Invitae Variant Classification Sherloc (09022015). Collection method: clinical testing. Allele origin: germline.
Comment: This sequence change affects an acceptor splice site in intron 1 of the CYBA gene. It is expected to disrupt RNA splicing. Variants that disrupt the donor or acceptor splice site typically lead to a loss of protein function (PMID: 16199547), and loss-of-function variants in CYBA are known to be pathogenic (PMID: 10910929, 20167518, 22876374). This variant is not present in population databases (gnomAD no frequency). Disruption of this splice site has been observed in individual(s) with chronic granulomatous disease (PMID: 30716179; Invitae; external communication). In at least one individual the data is consistent with being in trans (on the opposite chromosome) from a pathogenic variant. It has also been observed to segregate with disease in related individuals. ClinVar contains an entry for this variant (Variation ID: 1489230). Algorithms developed to predict the effect of sequence changes on RNA splicing suggest that this variant may disrupt the consensus splice site. For these reasons, this variant has been classified as Pathogenic.

Literature cited by the submitters: PubMed 16199547; PubMed 10910929; PubMed 20167518; PubMed 22876374; PubMed 30716179.

NM_000101.4(CYBA):c.59-2A>T

Gene: CYBA (cytochrome b-245 alpha chain; minus strand). Cytogenetic location: 16q24.2.
Variant type: single nucleotide variant.
Coding change: c.59-2A>T on transcript NM_000101.4 (MANE Select); the canonical splice acceptor site of the intron before coding-DNA position 59, A replaced by T.
Molecular consequence: splice acceptor variant.
Genome position (GRCh38, 1-based): chr16:88,648,116, T>A on the plus strand (A>T on the coding strand, the complement: CYBA is on the minus strand). VCF-style: chr16-88648116-T-A. GRCh37 (hg19) VCF-style: chr16-88714524-T-A.
Identifiers: ClinVar variation 1489230 (VCV001489230.8), dbSNP rs1907355667, ClinGen allele CA397066046.